The following is an entry in ClinVar:

NM_018116.4(MSTO1):c.833A>G (p.Tyr278Cys)

Gene: MSTO1 (misato mitochondrial distribution and morphology regulator 1; plus strand). Cytogenetic location: 1q22.
Variant type: single nucleotide variant.
Coding change: c.833A>G on transcript NM_018116.4 (MANE Select); coding-DNA position 833, A replaced by G.
Protein change: p.Tyr278Cys; replaces tyrosine 278 with cysteine.
Molecular consequence: missense variant. On other transcripts: non-coding transcript variant (6).
Genome position (GRCh38, 1-based): chr1:155,612,437, A>G. VCF-style: chr1-155612437-A-G. GRCh37 (hg19) VCF-style: chr1-155582228-A-G.
Other names: c.833A>G, p.Tyr278Cys (NM_001256532.1, NM_001256533.1, NM_001350772.1 and 3 more transcripts); c.668A>G, p.Tyr223Cys (NM_001350776.1); c.302A>G, p.Tyr101Cys (NM_001350777.1, NM_001350778.1, NM_001350779.1); c.299A>G, p.Tyr100Cys (NM_001350780.1, NM_001350781.1, NM_001350782.1 and 3 more transcripts); c.290A>G, p.Tyr97Cys (NM_001350784.1, NM_001350785.1, NM_001350787.1 and 1 more transcripts); short protein forms Y100C, Y101C, Y223C, Y278C, Y97C.
Identifiers: ClinVar variation 1588803 (VCV001588803.24), dbSNP rs143029385, ClinGen allele CA1148043.
Genomic context (GRCh38, chr1:155,612,437, plus strand): 5'-GTGGGAGAGCTGCTTAATACAAACTACTCTTTCTTCACCAGGAGGCCCAGAGAAACATCT[A>G]TCGTCTATTAAACACAGCTTTTGGTCTCGTGCACCTGACTGCTCACAGCTCTCTTGTCTG-3'
Protein context (NP_060586.2, residues 268-288): YHRGEAQRNI[Tyr278Cys]RLLNTAFGLV

ClinVar aggregate classification (germline): Likely benign. Review status: criteria provided, multiple submitters, no conflicts (2 of 4 stars). 2 submissions from 2 submitters: Likely benign (2). Last evaluated 2026-01-19.

Allele frequency attached by ClinVar (database versions not stated): gnomAD exomes 0.00019 and 0.00041; ExAC 0.00039; 1000 Genomes Project 0.00120; gnomAD 0.00127 and 0.00136; 1000 Genomes Project 30x 0.00141; TOPMed 0.00146; ESP Exome Variant Server 0.00177.
gnomAD v4.1: 493 of 1,613,478 alleles (0.031%); highest among the groups gnomAD compares: African/African-American, 0.46%; 2 homozygotes.

Submissions (2):

Labcorp Genetics (formerly Invitae), Labcorp
Classification: Likely benign. Last evaluated: 2026-01-19. Review status: criteria provided, single submitter. Criteria: Invitae Variant Classification Sherloc (09022015). Collection method: clinical testing. Allele origin: germline.

CeGaT Center for Human Genetics Tuebingen
Classification: Likely benign. Last evaluated: 2024-08-01. Review status: criteria provided, single submitter. Criteria: CeGaT Center For Human Genetics Tuebingen Variant Classification Criteria Version 2. Collection method: clinical testing. Allele origin: germline. Affected: yes. Observed: 1 variant allele.
Comment: MSTO1: BS2